The following is an entry in ClinVar:

NM_007124.3(UTRN):c.6679A>G (p.Ile2227Val)

Gene: UTRN (utrophin; plus strand). Cytogenetic location: 6q24.2.
Variant type: single nucleotide variant.
Coding change: c.6679A>G on transcript NM_007124.3 (MANE Select); coding-DNA position 6679, A replaced by G.
Protein change: p.Ile2227Val; replaces isoleucine 2227 with valine.
Molecular consequence: missense variant.
Genome position (GRCh38, 1-based): chr6:144,548,723, A>G. VCF-style: chr6-144548723-A-G. GRCh37 (hg19) VCF-style: chr6-144869859-A-G.
Other names: short protein forms I2227V.
Identifiers: ClinVar variation 716638 (VCV000716638.28), dbSNP rs116515472, ClinGen allele CA4033798.
Genomic context (GRCh38, chr6:144,548,723, plus strand): 5'-GTGCTAGTATCATCTGCGTCAGATATTCCTGTTCAGTCTCATCGTACTTCGGAAATTTCA[A>G]TTCCTGCTGATCTTGATAAAACTATAACAGAACTAGCCGACTGGCTGGTATTAATCGACC-3'
Protein context (NP_009055.2, residues 2217-2237): VQSHRTSEIS[Ile2227Val]PADLDKTITE

ClinVar aggregate classification (germline): Likely benign. Review status: criteria provided, multiple submitters, no conflicts (2 of 4 stars). 3 submissions from 3 submitters: Likely benign (3). Last evaluated 2023-10-01.

Allele frequency attached by ClinVar (database versions not stated): 1000 Genomes Project 30x 0.00125; 1000 Genomes Project 0.00140; ExAC 0.00243; gnomAD 0.00245 and 0.00252; TOPMed 0.00291; ESP Exome Variant Server 0.00361.

Submissions (3):

CeGaT Center for Human Genetics Tuebingen
Classification: Likely benign. Last evaluated: 2023-10-01. Review status: criteria provided, single submitter. Criteria: CeGaT Center For Human Genetics Tuebingen Variant Classification Criteria Version 2. Collection method: clinical testing. Allele origin: germline. Affected: yes. Observed: 1 variant allele.
Comment: UTRN: BP4

Labcorp Genetics (formerly Invitae), Labcorp
Classification: Likely benign. Last evaluated: 2018-08-16. Review status: criteria provided, single submitter. Criteria: Invitae Variant Classification Sherloc (09022015). Collection method: clinical testing. Allele origin: germline.

Breakthrough Genomics
Classification: Likely benign. Review status: criteria provided, single submitter. Criteria: ACMG Guidelines, 2015. Collection method: not provided. Allele origin: germline. Inheritance: Unknown mechanism. Affected: yes.